The following is an entry in ClinVar:

NM_014000.3(VCL):c.2557C>G (p.Arg853Gly)

Gene: VCL (vinculin; plus strand). Cytogenetic location: 10q22.2.
Variant type: single nucleotide variant.
Coding change: c.2557C>G on transcript NM_014000.3 (MANE Select); coding-DNA position 2557, C replaced by G.
Protein change: p.Arg853Gly; replaces arginine 853 with glycine.
Molecular consequence: missense variant.
Genome position (GRCh38, 1-based): chr10:74,107,352, C>G. VCF-style: chr10-74107352-C-G. GRCh37 (hg19) VCF-style: chr10-75867110-C-G.
Other names: c.2557C>G, p.Arg853Gly (NM_003373.4); short protein forms R853G.
Identifiers: ClinVar variation 1396485 (VCV001396485.8), dbSNP rs766109034, ClinGen allele CA5563242.

ClinVar aggregate classification (germline): Uncertain significance (1 of 4 stars; one submission).

Conditions:
Dilated cardiomyopathy 1W (CMD1W). Identifiers: Orphanet 154, MedGen C1969639, MONDO:0012667, OMIM 611407.

Allele frequency attached by ClinVar (database versions not stated): TOPMed below 0.00001; ExAC 0.00001; gnomAD exomes 0.00001.
gnomAD v4.1: 3 of 1,614,158 alleles (0.00019%); highest among the groups gnomAD compares: South Asian, 0.0022%; no homozygotes.

Submission:

Labcorp Genetics (formerly Invitae), Labcorp
Classification: Uncertain significance for Dilated cardiomyopathy 1W. Last evaluated: 2021-07-13. Review status: criteria provided, single submitter. Criteria: Invitae Variant Classification Sherloc (09022015). Collection method: clinical testing. Allele origin: germline.
Comment: This sequence change replaces arginine with glycine at codon 853 of the VCL protein (p.Arg853Gly). The arginine residue is moderately conserved and there is a moderate physicochemical difference between arginine and glycine. This variant is present in population databases (rs766109034, ExAC 0.006%). This variant has not been reported in the literature in individuals affected with VCL-related conditions. Algorithms developed to predict the effect of missense changes on protein structure and function are either unavailable or do not agree on the potential impact of this missense change (SIFT: "Not Available"; PolyPhen-2: "Benign"; Align-GVGD: "Not Available"). In summary, the available evidence is currently insufficient to determine the role of this variant in disease. Therefore, it has been classified as a Variant of Uncertain Significance.